The following is an entry in ClinVar:

ClinVar aggregate classification (germline): Uncertain significance (1 of 4 stars; one submission).

Allele frequency attached by ClinVar (database versions not stated): gnomAD 0.00001; ExAC 0.00002; TOPMed 0.00002.
gnomAD v4.1: 19 of 1,613,996 alleles (0.0012%); highest among the groups gnomAD compares: Admixed American, 0.005%; no homozygotes.

Submission:

Labcorp Genetics (formerly Invitae), Labcorp
Classification: Uncertain significance. Last evaluated: 2022-06-26. Review status: criteria provided, single submitter. Criteria: Invitae Variant Classification Sherloc (09022015). Collection method: clinical testing. Allele origin: germline.
Comment: In summary, the available evidence is currently insufficient to determine the role of this variant in disease. Therefore, it has been classified as a Variant of Uncertain Significance. Algorithms developed to predict the effect of missense changes on protein structure and function are either unavailable or do not agree on the potential impact of this missense change (SIFT: "Deleterious"; PolyPhen-2: "Probably Damaging"; Align-GVGD: "Class C0"). This variant has not been reported in the literature in individuals affected with MYO5B-related conditions. This variant is present in population databases (rs778610471, gnomAD 0.004%). This sequence change replaces alanine, which is neutral and non-polar, with valine, which is neutral and non-polar, at codon 1512 of the MYO5B protein (p.Ala1512Val).

NM_001080467.3(MYO5B):c.4535C>T (p.Ala1512Val)

Genes: MYO5B (myosin VB; minus strand), SNHG22 (small nucleolar RNA host gene 22; plus strand). Cytogenetic location: 18q21.1.
Variant type: single nucleotide variant.
Coding change: c.4535C>T on transcript NM_001080467.3 (MANE Select); coding-DNA position 4535, C replaced by T.
Protein change: p.Ala1512Val; replaces alanine 1512 with valine.
Molecular consequence: missense variant.
Genome position (GRCh38, 1-based): chr18:49,843,317, G>A on the plus strand (C>T on the coding strand, the complement: MYO5B is on the minus strand). VCF-style: chr18-49843317-G-A. GRCh37 (hg19) VCF-style: chr18-47369687-G-A.
Other names: short protein forms A1512V.
Identifiers: ClinVar variation 1927658 (VCV001927658.3), dbSNP rs778610471, ClinGen allele CA8960322.